The following is an entry in ClinVar:

NM_004656.4(BAP1):c.770_771dup (p.Ala258fs)

Gene: BAP1 (BRCA1 associated deubiquitinase 1; minus strand). Cytogenetic location: 3p21.1.
Variant type: Microsatellite.
Coding change: c.770_771dup on transcript NM_004656.4 (MANE Select); coding-DNA positions 770 to 771, 2 bases duplicated (AG; older notation c.770_771dupAG).
Protein change: p.Ala258fs; shifts the reading frame from alanine 258.
Molecular consequence: frameshift variant.
Genome position (GRCh38, 1-based): chr3:52,406,265-52,406,266, CT duplicated on the plus strand (AG on the coding strand, the reverse complement: BAP1 is on the minus strand); duplicating any 2 consecutive bases within chr3:52,406,265-52,406,268 gives the same sequence; the c. name uses the placement nearest the transcript's 3' end. VCF-style (leftmost placement, unchanged base first): chr3-52406264-C-CCT. GRCh37 (hg19) VCF-style: chr3-52440280-C-CCT.
Other names: c.770_771dupAG (NM_004656.2); c.716_717dup, p.Ala240fs (NM_001410772.1); c.768_769AG[3], p.Ala258Argfs (NM_004656.2); short protein forms A240fs, A258fs.
Identifiers: ClinVar variation 3986735 (VCV003986735.1).

ClinVar aggregate classification (germline): Pathogenic (1 of 4 stars; one submission).

Conditions:
Hereditary cancer-predisposing syndrome. Also called: Tumor predisposition; Hereditary neoplastic syndrome; Neoplastic Syndromes, Hereditary; Hereditary Cancer Syndrome. Identifiers: Orphanet 140162, MedGen C0027672, MeSH D009386, MONDO:0015356.

Submission:

Ambry Genetics
Classification: Pathogenic for Hereditary cancer-predisposing syndrome. Last evaluated: 2025-04-01. Review status: criteria provided, single submitter. Criteria: Ambry Variant Classification Scheme 2023. Collection method: clinical testing. Allele origin: germline.
Comment: The c.770_771dupAG pathogenic mutation, located in coding exon 9 of the BAP1 gene, results from a duplication of AG at nucleotide position 770, causing a translational frameshift with a predicted alternate stop codon (p.A258Rfs*6). This variant was reported in individual(s) with features consistent with BAP1-related tumor predisposition syndrome (Ambry internal data). This variant is considered to be rare based on population cohorts in the Genome Aggregation Database (gnomAD). This alteration is expected to result in loss of function by premature protein truncation or nonsense-mediated mRNA decay. As such, this alteration is interpreted as a disease-causing mutation.